The following is an entry in ClinVar:

ClinVar aggregate classification (germline): Pathogenic (1 of 4 stars; one submission).

Conditions:
Ethylmalonic encephalopathy (EE). Also called: EPEMA syndrome; Encephalopathy, petechiae, and ethylmalonic aciduria; Syndrome of encephalopathy, petechiae, and ethylmalonic aciduria. Identifiers: Orphanet 51188, MedGen C1865349, MONDO:0011229, OMIM 602473. Disease mechanism: loss of function.

Submission:

Labcorp Genetics (formerly Invitae), Labcorp
Classification: Pathogenic for Ethylmalonic encephalopathy. Last evaluated: 2023-02-01. Review status: criteria provided, single submitter. Criteria: Invitae Variant Classification Sherloc (09022015). Collection method: clinical testing. Allele origin: germline.
Comment: Disruption of the initiator codon has been observed in individual(s) with ethylmalonic encephalopathy (PMID: 14732903, 25058219, 30298498, 32923369). In at least one individual the data is consistent with being in trans (on the opposite chromosome) from a pathogenic variant. This sequence change affects the initiator methionine of the ETHE1 mRNA. The next in-frame methionine is located at codon 28. This variant is not present in population databases (gnomAD no frequency). Studies have shown that disruption of the initiator codon alters ETHE1 gene expression (PMID: 32923369). For these reasons, this variant has been classified as Pathogenic.

Literature cited by the submitters: PubMed 14732903; PubMed 25058219; PubMed 30298498; PubMed 32923369.

NM_014297.5(ETHE1):c.1A>C (p.Met1Leu)

Genes: ETHE1 (ETHE1 persulfide dioxygenase; minus strand), LOC130064595 (ATAC-STARR-seq lymphoblastoid silent region 10721; plus strand). Cytogenetic location: 19q13.31.
Variant type: single nucleotide variant.
Coding change: c.1A>C on transcript NM_014297.5 (MANE Select); coding-DNA position 1, A replaced by C.
Protein change: p.Met1Leu; changes the start codon (methionine 1).
Molecular consequence: missense variant, initiator codon variant. On other transcripts: 5 prime UTR variant (1).
Genome position (GRCh38, 1-based): chr19:43,527,177, T>G on the plus strand (A>C on the coding strand, the complement: ETHE1 is on the minus strand). VCF-style: chr19-43527177-T-G. GRCh37 (hg19) VCF-style: chr19-44031329-T-G.
Other names: c.1A>C, p.Met1Leu (NM_001320867.2, NM_001320869.2); c.-220A>C (NM_001320868.2); short protein forms M1L.
Identifiers: ClinVar variation 2833401 (VCV002833401.3), dbSNP rs2513631822, ClinGen allele CA406182623.